The following is an entry in ClinVar:

ClinVar aggregate classification (germline): Uncertain significance (1 of 4 stars; one submission).

gnomAD v4.1: 7 of 1,613,244 alleles (0.00043%); highest among the groups gnomAD compares: South Asian, 0.0066%; no homozygotes.

Submission:

Labcorp Genetics (formerly Invitae), Labcorp
Classification: Uncertain significance. Last evaluated: 2025-09-14. Review status: criteria provided, single submitter. Criteria: Invitae Variant Classification Sherloc (09022015). Collection method: clinical testing. Allele origin: germline.
Comment: This sequence change replaces glutamine, which is neutral and polar, with arginine, which is basic and polar, at codon 1192 of the LRP5 protein (p.Gln1192Arg). This variant is present in population databases (no rsID available, gnomAD 0.003%). This variant has not been reported in the literature in individuals affected with LRP5-related conditions. Invitae Evidence Modeling of protein sequence and biophysical properties (such as structural, functional, and spatial information, amino acid conservation, physicochemical variation, residue mobility, and thermodynamic stability) indicates that this missense variant is not expected to disrupt LRP5 protein function with a negative predictive value of 95%. In summary, the available evidence is currently insufficient to determine the role of this variant in disease. Therefore, it has been classified as a Variant of Uncertain Significance.

NM_002335.4(LRP5):c.3575A>G (p.Gln1192Arg)

Gene: LRP5 (LDL receptor related protein 5; plus strand). Cytogenetic location: 11q13.2.
Variant type: single nucleotide variant.
Coding change: c.3575A>G on transcript NM_002335.4 (MANE Select); coding-DNA position 3575, A replaced by G.
Protein change: p.Gln1192Arg; replaces glutamine 1192 with arginine.
Molecular consequence: missense variant.
Genome position (GRCh38, 1-based): chr11:68,426,125, A>G. VCF-style: chr11-68426125-A-G. GRCh37 (hg19) VCF-style: chr11-68193593-A-G.
Other names: c.1832A>G, p.Gln611Arg (NM_001291902.2); short protein forms Q1192R, Q611R.
Identifiers: ClinVar variation 4811874 (VCV004811874.1).
Genomic context (GRCh38, chr11:68,426,125, plus strand): 5'-GCCAGCAGCAGATGATCGAGCGTGTGGAGAAGACCACCGGGGACAAGCGGACTCGCATCC[A>G]GGGCCGTGTCGCCCACCTCACTGGCATCCATGCAGTGGAGGAAGTCAGCCTGGAGGAGTT-3'
Protein context (NP_002326.2, residues 1182-1202): KTTGDKRTRI[Gln1192Arg]GRVAHLTGIH